The following is an entry in ClinVar:

NM_001367873.1(SOX6):c.1339C>T (p.Leu447Phe)

Gene: SOX6 (SRY-box transcription factor 6; minus strand). Cytogenetic location: 11p15.2.
Variant type: single nucleotide variant.
Coding change: c.1339C>T on transcript NM_001367873.1 (MANE Select); coding-DNA position 1339, C replaced by T.
Protein change: p.Leu447Phe; replaces leucine 447 with phenylalanine.
Molecular consequence: missense variant.
Genome position (GRCh38, 1-based): chr11:16,049,851, G>A on the plus strand (C>T on the coding strand, the complement: SOX6 is on the minus strand). VCF-style: chr11-16049851-G-A. GRCh37 (hg19) VCF-style: chr11-16071397-G-A.
Other names: c.1216C>T, p.Leu406Phe (NM_001145811.2, NM_001367872.1, NM_017508.3); c.1339C>T, p.Leu447Phe (NM_001145819.2, NM_033326.3); short protein forms L406F, L447F.
Identifiers: ClinVar variation 3027141 (VCV003027141.22), dbSNP rs2494138950, ClinGen allele CA379876755.

ClinVar aggregate classification (germline): Uncertain significance (1 of 4 stars; one submission).

Submission:

CeGaT Center for Human Genetics Tuebingen
Classification: Uncertain significance. Last evaluated: 2024-02-01. Review status: criteria provided, single submitter. Criteria: CeGaT Center For Human Genetics Tuebingen Variant Classification Criteria Version 2. Collection method: clinical testing. Allele origin: germline. Affected: yes. Observed: 1 variant allele.
Comment: SOX6: PM2